The following is an entry in ClinVar:

ClinVar aggregate classification (germline): Uncertain significance (1 of 4 stars; one submission).

Conditions:
Cardiovascular phenotype. Identifiers: MedGen CN230736.
Hereditary cancer-predisposing syndrome. Also called: Tumor predisposition; Neoplastic Syndromes, Hereditary; Hereditary Cancer Syndrome; Hereditary neoplastic syndrome. Identifiers: Orphanet 140162, MedGen C0027672, MeSH D009386, MONDO:0015356.

Submission:

Ambry Genetics
Classification: Uncertain significance for Cardiovascular phenotype; Hereditary cancer-predisposing syndrome. Last evaluated: 2025-02-07. Review status: criteria provided, single submitter. Criteria: Ambry Variant Classification Scheme 2023. Collection method: clinical testing. Allele origin: germline.
Comment: The p.Q97H variant (also known as c.291A>T), located in coding exon 4 of the NF1 gene, results from an A to T substitution at nucleotide position 291. The glutamine at codon 97 is replaced by histidine, an amino acid with highly similar properties. This amino acid position is conserved. In addition, the in silico prediction for this alteration is inconclusive. Based on the available evidence, the clinical significance of this variant remains unclear.

NM_001042492.3(NF1):c.291A>T (p.Gln97His)

Gene: NF1 (neurofibromin 1; plus strand). Cytogenetic location: 17q11.2.
Variant type: single nucleotide variant.
Coding change: c.291A>T on transcript NM_001042492.3 (MANE Select); coding-DNA position 291, A replaced by T.
Protein change: p.Gln97His; replaces glutamine 97 with histidine.
Molecular consequence: missense variant.
Genome position (GRCh38, 1-based): chr17:31,163,188, A>T. VCF-style: chr17-31163188-A-T. GRCh37 (hg19) VCF-style: chr17-29490206-A-T.
Other names: c.291A>T, p.Gln97His (NM_000267.4, NM_001128147.3); short protein forms Q97H.
Identifiers: ClinVar variation 3879093 (VCV003879093.1).